The following is an entry in ClinVar:

ClinVar aggregate classification (germline): Uncertain significance. Review status: criteria provided, multiple submitters, no conflicts (2 of 4 stars). 2 submissions from 2 submitters: Uncertain significance (2). Last evaluated 2026-02-04.

Conditions:
POLD1-related polyposis and colorectal cancer syndrome (CRCS10). Also called: Colorectal cancer 10; COLORECTAL CANCER, SUSCEPTIBILITY TO, ON CHROMOSOME 19q; Colorectal cancer, susceptibility to, 10. Identifiers: Orphanet 220460, MedGen C2675481, MONDO:0012953, OMIM 612591.
Hereditary cancer-predisposing syndrome. Also called: Tumor predisposition; Hereditary Cancer Syndrome; Hereditary neoplastic syndrome; Neoplastic Syndromes, Hereditary. Identifiers: Orphanet 140162, MedGen C0027672, MeSH D009386, MONDO:0015356.

Allele frequency attached by ClinVar (database versions not stated): TOPMed below 0.00001; gnomAD 0.00001.
gnomAD v4.1: 1 of 1,608,724 alleles (0.000062%); highest among the groups gnomAD compares: Non-Finnish European, 0.000085%; no homozygotes.

Submissions (2):

Ambry Genetics
Classification: Uncertain significance for Hereditary cancer-predisposing syndrome. Last evaluated: 2026-02-04. Review status: criteria provided, single submitter. Criteria: Ambry Variant Classification Scheme 2023. Collection method: clinical testing. Allele origin: germline.
Comment: The p.L839V variant (also known as c.2515C>G), located in coding exon 19 of the POLD1 gene, results from a C to G substitution at nucleotide position 2515. The leucine at codon 839 is replaced by valine, an amino acid with highly similar properties. This amino acid position is highly conserved in available vertebrate species. In addition, this alteration is predicted to be tolerated by in silico analysis. Based on the available evidence, the clinical significance of this variant remains unclear.

Labcorp Genetics (formerly Invitae), Labcorp
Classification: Uncertain significance for POLD1-related polyposis and colorectal cancer syndrome. Last evaluated: 2024-09-15. Review status: criteria provided, single submitter. Criteria: Invitae Variant Classification Sherloc (09022015). Collection method: clinical testing. Allele origin: germline.
Comment: This sequence change replaces leucine, which is neutral and non-polar, with valine, which is neutral and non-polar, at codon 839 of the POLD1 protein (p.Leu839Val). This variant is not present in population databases (gnomAD no frequency). This variant has not been reported in the literature in individuals affected with POLD1-related conditions. ClinVar contains an entry for this variant (Variation ID: 1980373). Invitae Evidence Modeling of protein sequence and biophysical properties (such as structural, functional, and spatial information, amino acid conservation, physicochemical variation, residue mobility, and thermodynamic stability) has been performed for this missense variant. However, the output from this modeling did not meet the statistical confidence thresholds required to predict the impact of this variant on POLD1 protein function. In summary, the available evidence is currently insufficient to determine the role of this variant in disease. Therefore, it has been classified as a Variant of Uncertain Significance.

NM_002691.4(POLD1):c.2515C>G (p.Leu839Val)

Gene: POLD1 (DNA polymerase delta 1, catalytic subunit; plus strand). Cytogenetic location: 19q13.33.
Variant type: single nucleotide variant.
Coding change: c.2515C>G on transcript NM_002691.4 (MANE Select); coding-DNA position 2515, C replaced by G.
Protein change: p.Leu839Val; replaces leucine 839 with valine.
Molecular consequence: missense variant. On other transcripts: non-coding transcript variant (1).
Genome position (GRCh38, 1-based): chr19:50,414,941, C>G. VCF-style: chr19-50414941-C-G. GRCh37 (hg19) VCF-style: chr19-50918198-C-G.
Other names: c.2515C>G, p.Leu839Val (NM_001256849.1); c.2593C>G, p.Leu865Val (NM_001308632.1); c.2515C>G (NM_002691.2); short protein forms L839V, L865V.
Identifiers: ClinVar variation 1980373 (VCV001980373.5), dbSNP rs878854538, ClinGen allele CA406985164.